The following is an entry in ClinVar:

ClinVar aggregate classification (germline): Uncertain significance. Review status: criteria provided, multiple submitters, no conflicts (2 of 4 stars). 3 submissions from 3 submitters: Uncertain significance (3). Last evaluated 2024-03-06.

Conditions:
Cardiomyopathy (CMYO). Also called: Cardiomyopathies. Identifiers: Orphanet 167848, MedGen C0878544, MONDO:0004994, HP:0001638. Inheritance: Various modes of inheritance.
Arrhythmogenic cardiomyopathy with wooly hair and keratoderma. Also called: PALMOPLANTAR KERATODERMA WITH LEFT VENTRICULAR CARDIOMYOPATHY AND WOOLLY HAIR; Carvajal syndrome; Dilated cardiomyopathy with woolly hair and keratoderma; Arrhythmogenic cardiomyopathy with woolly hair and keratoderma. Identifiers: Orphanet 65282, MedGen C1854063, MONDO:0011581, OMIM 605676.
Arrhythmogenic right ventricular dysplasia 8 (ARVD8). Also called: Arrhythmogenic Right Ventricular Dysplasia/Cardiomyopathy 8; ARRHYTHMOGENIC RIGHT VENTRICULAR DYSPLASIA, FAMILIAL, 8; ARRHYTHMOGENIC RIGHT VENTRICULAR CARDIOMYOPATHY 8. Identifiers: MedGen C1843896, MONDO:0011831, OMIM 607450.

Allele frequency attached by ClinVar (database versions not stated): gnomAD 0.00001; TOPMed 0.00001.

Submissions (3):

Color Diagnostics, LLC DBA Color Health
Classification: Uncertain significance for Cardiomyopathy. Last evaluated: 2024-03-06. Review status: criteria provided, single submitter. Criteria: ACMG Guidelines, 2015. Collection method: clinical testing. Allele origin: germline.
Comment: This missense variant replaces leucine with methionine at codon 2427 of the DSP protein. Computational prediction suggests that this variant may not impact protein structure and function (internally defined REVEL score threshold <= 0.5, PMID: 27666373). To our knowledge, functional studies have not been reported for this variant. This variant has not been reported in individuals affected with DSP-related disorders in the literature. This variant has been identified in 2/251194 chromosomes in the general population by the Genome Aggregation Database (gnomAD). The available evidence is insufficient to determine the role of this variant in disease conclusively. Therefore, this variant is classified as a Variant of Uncertain Significance.

All of Us Research Program, National Institutes of Health
Classification: Uncertain significance for Arrhythmogenic cardiomyopathy with wooly hair and keratoderma. Last evaluated: 2023-10-30. Review status: criteria provided, single submitter. Criteria: ACMG Guidelines, 2015. Collection method: clinical testing. Allele origin: germline. Inheritance: Autosomal dominant inheritance. Observed: 2 variant alleles, 2 heterozygotes.
Comment: This missense variant replaces leucine with methionine at codon 2427 of the DSP protein. Computational prediction suggests that this variant may not impact protein structure and function (internally defined REVEL score threshold <= 0.5, PMID: 27666373). To our knowledge, functional studies have not been reported for this variant. This variant has not been reported in individuals affected with DSP-related disorders in the literature. This variant has been identified in 2/251194 chromosomes in the general population by the Genome Aggregation Database (gnomAD). The available evidence is insufficient to determine the role of this variant in disease conclusively. Therefore, this variant is classified as a Variant of Uncertain Significance.

This study involves interpretation of variants in research participants for the purpose of population health screening. Participant phenotype was not available at the time of variant classification. Additional details can be found in publication PMID: 35346344, PMCID: PMC8962531

Labcorp Genetics (formerly Invitae), Labcorp
Classification: Uncertain significance for Arrhythmogenic cardiomyopathy with wooly hair and keratoderma; Arrhythmogenic right ventricular dysplasia 8. Last evaluated: 2020-08-05. Review status: criteria provided, single submitter. Criteria: Invitae Variant Classification Sherloc (09022015). Collection method: clinical testing. Allele origin: germline.
Comment: This variant is present in population databases (rs555784793, ExAC 0.003%). This variant has not been reported in the literature in individuals with DSP-related conditions. Algorithms developed to predict the effect of missense changes on protein structure and function are either unavailable or do not agree on the potential impact of this missense change (SIFT: "Tolerated"; PolyPhen-2: "Probably Damaging"; Align-GVGD: "Class C0"). In summary, the available evidence is currently insufficient to determine the role of this variant in disease. Therefore, it has been classified as a Variant of Uncertain Significance. This sequence change replaces leucine with methionine at codon 2427 of the DSP protein (p.Leu2427Met). The leucine residue is highly conserved and there is a small physicochemical difference between leucine and methionine.

NM_004415.4(DSP):c.7279C>A (p.Leu2427Met)

Gene: DSP (desmoplakin; plus strand). Cytogenetic location: 6p24.3.
Variant type: single nucleotide variant.
Coding change: c.7279C>A on transcript NM_004415.4 (MANE Select); coding-DNA position 7279, C replaced by A.
Protein change: p.Leu2427Met; replaces leucine 2427 with methionine.
Molecular consequence: missense variant.
Genome position (GRCh38, 1-based): chr6:7,584,541, C>A. VCF-style: chr6-7584541-C-A. GRCh37 (hg19) VCF-style: chr6-7584774-C-A.
Other names: c.5482C>A, p.Leu1828Met (NM_001008844.3); c.5950C>A, p.Leu1984Met (NM_001319034.2); short protein forms L1828M, L2427M, L1984M.
Identifiers: ClinVar variation 920138 (VCV000920138.15), dbSNP rs555784793, ClinGen allele CA049588.